The following is an entry in ClinVar:

Conditions:
Long QT syndrome 5 (LQT5). Identifiers: Orphanet 101016, Orphanet 768, MedGen C1867904, MONDO:0013372, OMIM 613695.

Submission:

Roden Lab, Vanderbilt University Medical Center
No classification provided (evidence only). Condition: Long QT syndrome 5. Review status: no classification provided. Collection method: in vitro. Allele origin: not applicable. Functional consequence: Effect on ion channel function.
ClinVar note: "not provided" was previously submitted as the classification for the variant. However, the classification appeared to be based only on an observation of functional data so it was converted to no classification on 2025-07-30.

NM_000219.6(KCNE1):c.79A>T (p.Met27Leu)

Gene: KCNE1 (potassium voltage-gated channel subfamily E regulatory subunit 1; minus strand). Cytogenetic location: 21q22.12.
Variant type: single nucleotide variant.
Coding change: c.79A>T on transcript NM_000219.6 (MANE Select); coding-DNA position 79, A replaced by T.
Protein change: p.Met27Leu; replaces methionine 27 with leucine.
Molecular consequence: missense variant.
Genome position (GRCh38, 1-based): chr21:34,449,556, T>A on the plus strand (A>T on the coding strand, the complement: KCNE1 is on the minus strand). VCF-style: chr21-34449556-T-A. GRCh37 (hg19) VCF-style: chr21-35821854-T-A.
Other names: c.79A>T, p.Met27Leu (NM_001127668.4, NM_001127669.4, NM_001127670.4 and 4 more transcripts); short protein forms M27L.
Identifiers: ClinVar variation 3373991 (VCV003373991.2).